The following is an entry in ClinVar:

NM_001017995.3(SH3PXD2B):c.2596G>C (p.Asp866His)

Gene: SH3PXD2B (SH3 and PX domains 2B; minus strand). Cytogenetic location: 5q35.1.
Variant type: single nucleotide variant.
Coding change: c.2596G>C on transcript NM_001017995.3 (MANE Select); coding-DNA position 2596, G replaced by C.
Protein change: p.Asp866His; replaces aspartic acid 866 with histidine.
Molecular consequence: missense variant. On other transcripts: intron variant (1).
Genome position (GRCh38, 1-based): chr5:172,338,509, C>G on the plus strand (G>C on the coding strand, the complement: SH3PXD2B is on the minus strand). VCF-style: chr5-172338509-C-G. GRCh37 (hg19) VCF-style: chr5-171765513-C-G.
Other names: c.1188+7627G>C (NM_001308175.2); short protein forms D866H.
Identifiers: ClinVar variation 1482512 (VCV001482512.8), dbSNP rs2113250267, ClinGen allele CA362145108.

ClinVar aggregate classification (germline): Uncertain significance (1 of 4 stars; one submission).

Submission:

Labcorp Genetics (formerly Invitae), Labcorp
Classification: Uncertain significance. Last evaluated: 2021-05-29. Review status: criteria provided, single submitter. Criteria: Invitae Variant Classification Sherloc (09022015). Collection method: clinical testing. Allele origin: germline.
Comment: In summary, the available evidence is currently insufficient to determine the role of this variant in disease. Therefore, it has been classified as a Variant of Uncertain Significance. Algorithms developed to predict the effect of missense changes on protein structure and function are either unavailable or do not agree on the potential impact of this missense change (SIFT: "Deleterious"; PolyPhen-2: "Possibly Damaging"; Align-GVGD: "Class C0"). This variant has not been reported in the literature in individuals with SH3PXD2B-related conditions. This variant is not present in population databases (ExAC no frequency). This sequence change replaces aspartic acid with histidine at codon 866 of the SH3PXD2B protein (p.Asp866His). The aspartic acid residue is moderately conserved and there is a moderate physicochemical difference between aspartic acid and histidine.